The following is an entry in ClinVar:

NM_016151.4(TAOK2):c.1018C>T (p.His340Tyr)

Gene: TAOK2 (TAO kinase 2; plus strand). Cytogenetic location: 16p11.2.
Variant type: single nucleotide variant.
Coding change: c.1018C>T on transcript NM_016151.4 (MANE Select); coding-DNA position 1018, C replaced by T.
Protein change: p.His340Tyr; replaces histidine 340 with tyrosine.
Molecular consequence: missense variant.
Genome position (GRCh38, 1-based): chr16:29,983,090, C>T. VCF-style: chr16-29983090-C-T. GRCh37 (hg19) VCF-style: chr16-29994411-C-T.
Other names: c.1018C>T, p.His340Tyr (NM_001252043.2, NM_004783.4); short protein forms H340Y.
Identifiers: ClinVar variation 3662969 (VCV003662969.2).

ClinVar aggregate classification (germline): Uncertain significance (1 of 4 stars; one submission).

Submission:

Labcorp Genetics (formerly Invitae), Labcorp
Classification: Uncertain significance. Last evaluated: 2024-08-20. Review status: criteria provided, single submitter. Criteria: Invitae Variant Classification Sherloc (09022015). Collection method: clinical testing. Allele origin: germline.
Comment: This sequence change replaces histidine, which is basic and polar, with tyrosine, which is neutral and polar, at codon 340 of the TAOK2 protein (p.His340Tyr). This variant is present in population databases (rs761378241, gnomAD 0.0009%). This variant has not been reported in the literature in individuals affected with TAOK2-related conditions. An algorithm developed to predict the effect of missense changes on protein structure and function (PolyPhen-2) suggests that this variant is likely to be disruptive. In summary, the available evidence is currently insufficient to determine the role of this variant in disease. Therefore, it has been classified as a Variant of Uncertain Significance.